The following is an entry in ClinVar:

NM_000202.8(IDS):c.1049del (p.Asn350fs)

Genes: IDS (iduronate 2-sulfatase; minus strand), LOC106050102 (IDS recombination region; plus strand). Cytogenetic location: Xq28.
Variant type: Deletion.
Coding change: c.1049del on transcript NM_000202.8 (MANE Select); coding-DNA position 1049, one base deleted (A; older notation c.1049delA).
Protein change: p.Asn350fs; shifts the reading frame from asparagine 350.
Molecular consequence: frameshift variant.
Genome position (GRCh38, 1-based): chrX:149,487,056, T deleted on the plus strand (A on the coding strand, the reverse complement: IDS is on the minus strand); the first of 2 consecutive T bases (chrX:149,487,056-149,487,057); deleting either gives the same sequence. VCF-style (leftmost placement, unchanged base first): chrX-149487055-AT-A. GRCh37 (hg19) VCF-style: chrX-148568586-AT-A.
Other names: c.779del, p.Asn260fs (NM_001166550.4); short protein forms N260fs, N350fs.
Identifiers: ClinVar variation 3255953 (VCV003255953.2).

ClinVar aggregate classification (germline): Pathogenic (1 of 4 stars; one submission).

Conditions:
Mucopolysaccharidosis, MPS-II (MPS2). Also called: Hunter Syndrome; IDURONATE 2-SULFATASE DEFICIENCY; Mucopolysaccharidosis Type II; Mucopolysaccharidosis type 2; Attenuated MPS (subtype; formerly known as mild MPS II); Severe MPS II. Identifiers: Orphanet 580, Orphanet 79388, MedGen C0026705, MONDO:0010674, OMIM 309900.

Submission:

Laboratory of Diagnosis and Therapy of Lysosomal Disorders, University of Padova
Classification: Pathogenic for Mucopolysaccharidosis, MPS-II. Last evaluated: 2024-06-07. Review status: criteria provided, single submitter. Criteria: ACMG Guidelines, 2015. Collection method: literature only. Allele origin: germline. Affected: yes. Observed: 1 variant allele.
Comment: Null variant (PVS1_VeryStrong), Absent from controls (or at low frequency) in gnomAD database (PM2_Moderate), Patient’s phenotype or family history highly specific for the disease (PP4_Strong)

Classification method: ACMG Guidelines [PMID:25741868] with modifications

Literature cited by the submitters: PubMed 9875019.